The following is an entry in ClinVar:

NM_005883.3(APC2):c.2654G>A (p.Arg885Gln)

Gene: APC2 (APC regulator of WNT signaling pathway 2; plus strand). Cytogenetic location: 19p13.3.
Variant type: single nucleotide variant.
Coding change: c.2654G>A on transcript NM_005883.3 (MANE Select); coding-DNA position 2654, G replaced by A.
Protein change: p.Arg885Gln; replaces arginine 885 with glutamine.
Molecular consequence: missense variant.
Genome position (GRCh38, 1-based): chr19:1,465,955, G>A. VCF-style: chr19-1465955-G-A. GRCh37 (hg19) VCF-style: chr19-1465954-G-A.
Other names: c.2651G>A, p.Arg884Gln (NM_001351273.1); short protein forms R884Q, R885Q.
Identifiers: ClinVar variation 1975950 (VCV001975950.2), dbSNP rs111389603, ClinGen allele CA9045503.

ClinVar aggregate classification (germline): Uncertain significance (1 of 4 stars; one submission).

Allele frequency attached by ClinVar (database versions not stated): gnomAD 0.00011; TOPMed 0.00012.
gnomAD v4.1: 118 of 1,575,826 alleles (0.0075%); highest among the groups gnomAD compares: Non-Finnish European, 0.0096%; no homozygotes.

Submission:

Labcorp Genetics (formerly Invitae), Labcorp
Classification: Uncertain significance. Last evaluated: 2022-08-20. Review status: criteria provided, single submitter. Criteria: Invitae Variant Classification Sherloc (09022015). Collection method: clinical testing. Allele origin: germline.
Comment: This sequence change replaces arginine, which is basic and polar, with glutamine, which is neutral and polar, at codon 885 of the APC2 protein (p.Arg885Gln). This variant is present in population databases (rs111389603, gnomAD 0.02%). This variant has not been reported in the literature in individuals affected with APC2-related conditions. Algorithms developed to predict the effect of missense changes on protein structure and function are either unavailable or do not agree on the potential impact of this missense change (SIFT: "Tolerated"; PolyPhen-2: "Probably Damaging"; Align-GVGD: "Class C0"). In summary, the available evidence is currently insufficient to determine the role of this variant in disease. Therefore, it has been classified as a Variant of Uncertain Significance.